The following is an entry in ClinVar:

NM_001375567.1(FOCAD):c.1627A>G (p.Thr543Ala)

Gene: FOCAD (focadhesin; plus strand). Cytogenetic location: 9p21.3.
Variant type: single nucleotide variant.
Coding change: c.1627A>G on transcript NM_001375567.1 (MANE Select); coding-DNA position 1627, A replaced by G.
Protein change: p.Thr543Ala; replaces threonine 543 with alanine.
Molecular consequence: missense variant.
Genome position (GRCh38, 1-based): chr9:20,820,390, A>G. VCF-style: chr9-20820390-A-G. GRCh37 (hg19) VCF-style: chr9-20820389-A-G.
Other names: c.1522A>G, p.Thr508Ala (NM_001375568.1, NM_001375570.1); c.1627A>G, p.Thr543Ala (NM_017794.5); short protein forms T508A, T543A.
Identifiers: ClinVar variation 4805485 (VCV004805485.1).

ClinVar aggregate classification (germline): Uncertain significance (1 of 4 stars; one submission).

gnomAD v4.1: 1 of 1,612,950 alleles (0.000062%); no homozygotes.

Submission:

Labcorp Genetics (formerly Invitae), Labcorp
Classification: Uncertain significance. Last evaluated: 2025-03-09. Review status: criteria provided, single submitter. Criteria: Invitae Variant Classification Sherloc (09022015). Collection method: clinical testing. Allele origin: germline.
Comment: This sequence change replaces threonine, which is neutral and polar, with alanine, which is neutral and non-polar, at codon 543 of the FOCAD protein (p.Thr543Ala). This variant is not present in population databases (gnomAD no frequency). This variant has not been reported in the literature in individuals affected with FOCAD-related conditions. Experimental studies and prediction algorithms are not available or were not evaluated, and the functional significance of this variant is currently unknown. In summary, the available evidence is currently insufficient to determine the role of this variant in disease. Therefore, it has been classified as a Variant of Uncertain Significance.